The following is an entry in ClinVar:

ClinVar aggregate classification (germline): Pathogenic (0 of 4 stars; one submission).

Submission:

GenMed Metabolism Lab
Classification: Pathogenic. Review status: no assertion criteria provided. Collection method: not provided. Allele origin: unknown.
ClinVar note: Converted during submission from pathogenic to Pathogenic.

NM_000531.6(OTC):c.524A>T (p.Asp175Val)

Gene: OTC (ornithine transcarbamylase; plus strand). Cytogenetic location: Xp11.4.
Variant type: single nucleotide variant.
Coding change: c.524A>T on transcript NM_000531.6 (MANE Select); coding-DNA position 524, A replaced by T.
Protein change: p.Asp175Val; replaces aspartic acid 175 with valine.
Molecular consequence: missense variant.
Genome position (GRCh38, 1-based): chrX:38,401,412, A>T. VCF-style: chrX-38401412-A-T. GRCh37 (hg19) VCF-style: chrX-38260665-A-T.
Other names: short protein forms D175V.
Identifiers: ClinVar variation 97233 (VCV000097233.2), dbSNP rs68033093, ClinGen allele CA224662.
Genomic context (GRCh38, chrX:38,401,412, plus strand): 5'-CATCCATCCCAATTATCAATGGGCTGTCAGATTTGTACCATCCTATCCAGATCCTGGCTG[A>T]TTACCTCACGCTCCAGGTTGGTTTATTTATTTGTCTTACAAAAGAGCAAAATCAAATAAT-3'
Protein context (NP_000522.3, residues 165-185): DLYHPIQILA[Asp175Val]YLTLQEHYSS